The following is an entry in ClinVar:

NM_032119.4(ADGRV1):c.3694_3697del (p.Val1232fs)

Gene: ADGRV1 (adhesion G protein-coupled receptor V1; plus strand). Cytogenetic location: 5q14.3.
Variant type: Deletion.
Coding change: c.3694_3697del on transcript NM_032119.4 (MANE Select); coding-DNA positions 3694 to 3697, 4 bases deleted (GTTC; older notation c.3694_3697delGTTC).
Protein change: p.Val1232fs; shifts the reading frame from valine 1232.
Molecular consequence: frameshift variant. On other transcripts: non-coding transcript variant (1).
Genome position (GRCh38, 1-based): chr5:90,653,268-90,653,271, GTTC deleted. VCF-style (leftmost placement, unchanged base first): chr5-90653267-GGTTC-G. GRCh37 (hg19) VCF-style: chr5-89949084-GGTTC-G.
Other names: short protein forms V1232fs.
Identifiers: ClinVar variation 2764849 (VCV002764849.3), dbSNP rs2532084404, ClinGen allele CA2697546293.

ClinVar aggregate classification (germline): Pathogenic (1 of 4 stars; one submission).

Submission:

Labcorp Genetics (formerly Invitae), Labcorp
Classification: Pathogenic. Last evaluated: 2023-10-03. Review status: criteria provided, single submitter. Criteria: Invitae Variant Classification Sherloc (09022015). Collection method: clinical testing. Allele origin: germline.
Comment: This sequence change creates a premature translational stop signal (p.Val1232Hisfs*17) in the ADGRV1 gene. It is expected to result in an absent or disrupted protein product. Loss-of-function variants in ADGRV1 are known to be pathogenic (PMID: 19357117, 22135276, 22147658, 26226137, 30718709, 31047384, 32467589). This variant is not present in population databases (gnomAD no frequency). This variant has not been reported in the literature in individuals affected with ADGRV1-related conditions. For these reasons, this variant has been classified as Pathogenic.

Literature cited by the submitters: PubMed 19357117; PubMed 22135276; PubMed 22147658; PubMed 26226137; PubMed 30718709; PubMed 31047384; PubMed 32467589.